The following is an entry in ClinVar:

ClinVar aggregate classification (germline): Uncertain significance (1 of 4 stars; one submission).

Submission:

CeGaT Center for Human Genetics Tuebingen
Classification: Uncertain significance. Last evaluated: 2023-03-01. Review status: criteria provided, single submitter. Criteria: CeGaT Center For Human Genetics Tuebingen Variant Classification Criteria Version 2. Collection method: clinical testing. Allele origin: germline. Affected: yes. Observed: 1 variant allele.
Comment: XPNPEP2: PM2, BP4

NM_003399.6(XPNPEP2):c.1624A>C (p.Asn542His)

Gene: XPNPEP2 (X-prolyl aminopeptidase 2; plus strand). Cytogenetic location: Xq26.1.
Variant type: single nucleotide variant.
Coding change: c.1624A>C on transcript NM_003399.6 (MANE Select); coding-DNA position 1624, A replaced by C.
Protein change: p.Asn542His; replaces asparagine 542 with histidine.
Molecular consequence: missense variant.
Genome position (GRCh38, 1-based): chrX:129,762,026, A>C. VCF-style: chrX-129762026-A-C. GRCh37 (hg19) VCF-style: chrX-128896002-A-C.
Other names: short protein forms N542H.
Identifiers: ClinVar variation 2661399 (VCV002661399.24), dbSNP rs2522117357, ClinGen allele CA414589222.
Genomic context (GRCh38, chrX:129,762,026, plus strand): 5'-TATAGGAGAACTGATACCATGTTTATGTCTTCCTTTCTAGGGCCAGTGGGATTCCAGTCC[A>C]ACAACATCGCTATGGCCAAGGGCATGTTCACTTCCATTGGTATGGCCCTCAGGCCCCTCT-3'
Protein context (NP_003390.4, residues 532-552): VHEWPVGFQS[Asn542His]NIAMAKGMFT